The following is an entry in ClinVar:

NM_001101426.4(CRPPA):c.565A>T (p.Thr189Ser)

Gene: CRPPA (CDP-L-ribitol pyrophosphorylase A; minus strand). Cytogenetic location: 7p21.2.
Variant type: single nucleotide variant.
Coding change: c.565A>T on transcript NM_001101426.4 (MANE Select); coding-DNA position 565, A replaced by T.
Protein change: p.Thr189Ser; replaces threonine 189 with serine.
Molecular consequence: missense variant. On other transcripts: non-coding transcript variant (1), intron variant (1).
Genome position (GRCh38, 1-based): chr7:16,376,211, T>A on the plus strand (A>T on the coding strand, the complement: CRPPA is on the minus strand). VCF-style: chr7-16376211-T-A. GRCh37 (hg19) VCF-style: chr7-16415836-T-A.
Other names: c.565A>T, p.Thr189Ser (NM_001368197.1); c.534+29850A>T (NM_001101417.4); short protein forms T189S.
Identifiers: ClinVar variation 850699 (VCV000850699.7), dbSNP rs1786881434, ClinGen allele CA367002238.

ClinVar aggregate classification (germline): Uncertain significance (1 of 4 stars; one submission).

Conditions:
Muscular dystrophy-dystroglycanopathy (congenital with brain and eye anomalies), type A, 7. Also called: Congenital muscular dystrophy-dystroglycanopathy with brain and eye anomalies, type A7; WALKER-WARBURG SYNDROME OR MUSCLE-EYE-BRAIN DISEASE, ISPD-RELATED. Identifiers: Orphanet 899, MedGen C3553330, MONDO:0013835, OMIM 614643.
Autosomal recessive limb-girdle muscular dystrophy type 2U. Also called: Muscular dystrophy-dystroglycanopathy (limb-girdle), type c, 7; MUSCULAR DYSTROPHY, LIMB-GIRDLE, TYPE 2U. Identifiers: Orphanet 352479, MedGen C5190987, MONDO:0014474, OMIM 616052.

gnomAD v4.1: 1 of 1,611,686 alleles (0.000062%); highest among the groups gnomAD compares: Middle Eastern, 0.017%; no homozygotes.

Submission:

Labcorp Genetics (formerly Invitae), Labcorp
Classification: Uncertain significance for Muscular dystrophy-dystroglycanopathy (congenital with brain and eye anomalies), type A, 7; Autosomal recessive limb-girdle muscular dystrophy type 2U. Last evaluated: 2021-08-31. Review status: criteria provided, single submitter. Criteria: Invitae Variant Classification Sherloc (09022015). Collection method: clinical testing. Allele origin: germline.
Comment: This sequence change replaces threonine with serine at codon 189 of the ISPD protein (p.Thr189Ser). The threonine residue is highly conserved and there is a small physicochemical difference between threonine and serine. This variant is not present in population databases (ExAC no frequency). This variant has not been reported in the literature in individuals affected with ISPD-related conditions. Algorithms developed to predict the effect of missense changes on protein structure and function (SIFT, PolyPhen-2, Align-GVGD) all suggest that this variant is likely to be disruptive. In summary, the available evidence is currently insufficient to determine the role of this variant in disease. Therefore, it has been classified as a Variant of Uncertain Significance.